The following is an entry in ClinVar:

NM_004366.6(CLCN2):c.1420_1423del (p.Gly474fs)

Gene: CLCN2 (chloride voltage-gated channel 2; minus strand). Cytogenetic location: 3q27.1.
Variant type: Microsatellite.
Coding change: c.1420_1423del on transcript NM_004366.6 (MANE Select); coding-DNA positions 1420 to 1423, 4 bases deleted (GGTG; older notation c.1420_1423delGGTG).
Protein change: p.Gly474fs; shifts the reading frame from glycine 474.
Molecular consequence: frameshift variant. On other transcripts: intron variant (1).
Genome position (GRCh38, 1-based): chr3:184,354,632-184,354,635, CACC deleted on the plus strand (GGTG on the coding strand, the reverse complement: CLCN2 is on the minus strand); deleting any 4 consecutive bases within chr3:184,354,632-184,354,639 gives the same sequence; the c. name uses the placement nearest the transcript's 3' end. VCF-style (leftmost placement, unchanged base first): chr3-184354631-TCACC-T. GRCh37 (hg19) VCF-style: chr3-184072419-TCACC-T.
Other names: c.1288_1291del, p.Gly430fs (NM_001171088.3); c.1420_1423del, p.Gly474fs (NM_001171089.3); c.1397-28_1397-25del (NM_001171087.3); short protein forms G474fs, G430fs.
Identifiers: ClinVar variation 503993 (VCV000503993.2), dbSNP rs1553855606, ClinGen allele CA658796404.

ClinVar aggregate classification (germline): Likely pathogenic (1 of 4 stars; one submission).

Submission:

GeneDx
Classification: Likely pathogenic. Last evaluated: 2017-12-20. Review status: criteria provided, single submitter. Criteria: GeneDx Variant Classification (06012015). Collection method: clinical testing. Allele origin: germline. Affected: yes.
Comment: The c.1420_1423delGGTG variant in the CLCN2 gene has not been reported previously as a pathogenic variant nor as a benign variant, to our knowledge. The c.1420_1423delGGTG variant causes a frameshift starting with codon Glycine 474, changes this amino acid to a Lysine residue, and creates a premature Stop codon at position 37 of the new reading frame, denoted p.Gly474LysfsX37. This variant is predicted to cause loss of normal protein function either through protein truncation or nonsense-mediated mRNA decay. The c.1420_1423delGGTG variant is not observed in large population cohorts (Lek et al., 2016). We interpret c.1420_1423delGGTG as a likely pathogenic variant.